The following is an entry in ClinVar:

ClinVar aggregate classification (germline): Benign/Likely benign. Review status: criteria provided, multiple submitters, no conflicts (2 of 4 stars). 3 submissions from 3 submitters: Benign (1); Likely benign (1). 1 of the submissions does not count toward it. Last evaluated 2025-11-25.

Conditions:
GSN-related disorder. Also called: GSN-related condition.

Allele frequency attached by ClinVar (database versions not stated): gnomAD exomes 0.00003 and 0.00016; gnomAD 0.00056 and 0.00064; 1000 Genomes Project 0.00060; 1000 Genomes Project 30x 0.00062; TOPMed 0.00065; ESP Exome Variant Server 0.00069; ExAC 0.00108.
gnomAD v4.1: 127 of 1,293,204 alleles (0.0098%); highest among the groups gnomAD compares: African/African-American, 0.18%; no homozygotes.

Submissions (3):

Labcorp Genetics (formerly Invitae), Labcorp
Classification: Benign. Last evaluated: 2025-11-25. Review status: criteria provided, single submitter. Criteria: Invitae Variant Classification Sherloc (09022015). Collection method: clinical testing. Allele origin: germline.

PreventionGenetics, part of Exact Sciences
Classification: Likely benign for GSN-related condition. Last evaluated: 2025-09-23. Review status: criteria provided, single submitter. Criteria: ACMG Guidelines, 2015. Collection method: clinical testing. Allele origin: germline.
Comment: This variant is classified as likely benign based on ACMG/AMP sequence variant interpretation guidelines (Richards et al. 2015 PMID: 25741868, with internal and published modifications).

Genetic Services Laboratory, University of Chicago
Classification: Likely benign. Last evaluated: 2022-11-28. Review status: no assertion criteria provided. Collection method: clinical testing. Allele origin: germline. Affected: no. Not counted in ClinVar's aggregate classification.

NM_198252.3(GSN):c.-9-2000G>T

Gene: GSN (gelsolin; plus strand). Cytogenetic location: 9q33.2.
Variant type: single nucleotide variant.
Coding change: c.-9-2000G>T on transcript NM_198252.3 (MANE Select); 2000 bases into the intron before 9 bases upstream of the start codon, G replaced by T.
Molecular consequence: intron variant. On other transcripts: synonymous variant (1).
Genome position (GRCh38, 1-based): chr9:121,299,963, G>T. VCF-style: chr9-121299963-G-T. GRCh37 (hg19) VCF-style: chr9-124062241-G-T.
Other names: c.102G>T, p.Ala34= (NM_000177.5); c.-9-2000G>T (NM_001353054.1, NM_001353053.1, NM_001353060.2 and 5 more transcripts); c.-47-93G>T (NM_001353064.2, NM_001353066.2, NM_001353072.2 and 8 more transcripts); c.-1-2008G>T (NM_001353058.2, NM_001353059.2, NM_001353056.2 and 1 more transcripts); c.-38-102G>T (NM_001353073.2, NM_001353065.2, NM_001353068.2 and 2 more transcripts); c.100-2000G>T (NM_001127663.2); c.-32-108G>T (NM_001353070.2); c.-48-1961G>T (NM_001353055.2); and 4 more.
Identifiers: ClinVar variation 1599768 (VCV001599768.11), dbSNP rs369326886, ClinGen allele CA5220656.
Genomic context (GRCh38, chr9:121,299,963, plus strand): 5'-GTCCCTGGCGCTGTGCGCGCTGTCGCTGCCCGTCCGCGCGGCCACTGCGTCGCGGGGGGC[G>T]TCCCAGGCGGGGGCGCCCCAGGGGCGGGTGCCCGAGGCGCGGGTGAGTGCCCGGGGGGCC-3'